The following is an entry in ClinVar:

ClinVar aggregate classification (germline): Uncertain significance (1 of 4 stars; one submission).

Conditions:
Muscular dystrophy-dystroglycanopathy (congenital with brain and eye anomalies), type a, 12 (MDDGA12). Also called: WALKER-WARBURG SYNDROME OR MUSCLE-EYE-BRAIN DISEASE, POMK-RELATED. Identifiers: Orphanet 899, MedGen C3808964, MONDO:0014101, OMIM 615249.

Submission:

Diagnostics Services (NGS), CSIR - Centre For Cellular And Molecular Biology
Classification: Uncertain significance for Muscular dystrophy-dystroglycanopathy (congenital with brain and eye anomalies), type a, 12. Last evaluated: 2022-04-18. Review status: criteria provided, single submitter. Criteria: ACMG Guidelines, 2015. Collection method: clinical testing. Allele origin: germline. Inheritance: Autosomal recessive inheritance. Affected: yes. Observed: 1 variant allele, 1 homozygote.
Comment: The c.268G>A variant is not present in publicly available population databases like 1000 Genomes, Exome Variant Server (EVS), Exome Aggregation Consortium (ExAC), Genome Aggregation Database (gnomAD) and Indian Exome Database. The variant is not present in our in-house exome database. The variant was not previously reported to ClinVar, Human Genome Mutation Database (HGMD) and/or OMIM databases, in any affected individuals. In-silico pathogenicity prediction programs like SIFT, Polyphen-2, CADD, Varsome etc. predicted this variant to be likely deleterious, however these predictions were not confirmed by any published functional studies.

NM_032237.5(POMK):c.268G>A (p.Gly90Arg)

Gene: POMK (protein O-mannose kinase; plus strand). Cytogenetic location: 8p11.21.
Variant type: single nucleotide variant.
Coding change: c.268G>A on transcript NM_032237.5 (MANE Select); coding-DNA position 268, G replaced by A.
Protein change: p.Gly90Arg; replaces glycine 90 with arginine.
Molecular consequence: missense variant.
Genome position (GRCh38, 1-based): chr8:43,103,816, G>A. VCF-style: chr8-43103816-G-A. GRCh37 (hg19) VCF-style: chr8-42958959-G-A.
Other names: c.268G>A, p.Gly90Arg (NM_001277971.2); short protein forms G90R.
Identifiers: ClinVar variation 1691297 (VCV001691297.4), dbSNP rs2130601657, ClinGen allele CA371117862.
Genomic context (GRCh38, chr8:43,103,816, plus strand): 5'-CCTTGGCTGTCCTGCGAGGAGCTGAGAACAGAAGTGAGACAGCTGAAGCGTGTTGGGGAA[G>A]GAGCTGTAAAGAGAGTGAGTCCGGGTTCATTTGCGATTGCTGTCATCCTGTTATTTCGCT-3'
Protein context (NP_115613.1, residues 80-100): EVRQLKRVGE[Gly90Arg]AVKRVFLSEW